The following is an entry in ClinVar:

ClinVar aggregate classification (germline): Likely benign (1 of 4 stars; one submission).

gnomAD v4.1: 20 of 1,614,062 alleles (0.0012%); highest among the groups gnomAD compares: African/African-American, 0.0027%; no homozygotes.

Submission:

CeGaT Center for Human Genetics Tuebingen
Classification: Likely benign. Last evaluated: 2026-04-01. Review status: criteria provided, single submitter. Criteria: CeGaT Center For Human Genetics Tuebingen Variant Classification Criteria Version 2. Collection method: clinical testing. Allele origin: germline. Affected: yes. Observed: 1 variant allele.
Comment: LPP: BP4, BS2

NM_001375462.1(LPP):c.868G>A (p.Ala290Thr)

Gene: LPP (LIM domain containing preferred translocation partner in lipoma; plus strand). Cytogenetic location: 3q28.
Variant type: single nucleotide variant.
Coding change: c.868G>A on transcript NM_001375462.1 (MANE Select); coding-DNA position 868, G replaced by A.
Protein change: p.Ala290Thr; replaces alanine 290 with threonine.
Molecular consequence: missense variant. On other transcripts: non-coding transcript variant (1), intron variant (1).
Genome position (GRCh38, 1-based): chr3:188,609,599, G>A. VCF-style: chr3-188609599-G-A. GRCh37 (hg19) VCF-style: chr3-188327387-G-A.
Other names: c.868G>A, p.Ala290Thr (NM_001167671.3, NM_001375455.1, NM_001375456.1 and 28 more transcripts); c.379G>A, p.Ala127Thr (NM_001387675.1, NM_001387676.1); c.672+196G>A (NM_001167672.3); short protein forms A127T, A290T.
Identifiers: ClinVar variation 4874040 (VCV004874040.2).